The following is an entry in ClinVar:

NM_000501.4(ELN):c.1825C>T (p.Leu609Phe)

Gene: ELN (elastin; plus strand). Cytogenetic location: 7q11.23.
Variant type: single nucleotide variant.
Coding change: c.1825C>T on transcript NM_000501.4 (MANE Select); coding-DNA position 1825, C replaced by T.
Protein change: p.Leu609Phe; replaces leucine 609 with phenylalanine.
Molecular consequence: missense variant.
Genome position (GRCh38, 1-based): chr7:74,063,191, C>T. VCF-style: chr7-74063191-C-T. GRCh37 (hg19) VCF-style: chr7-73477521-C-T.
Other names: c.1738C>T, p.Leu580Phe (NM_001081752.3); c.1783C>T, p.Leu595Phe (NM_001081753.3); c.1840C>T, p.Leu614Phe (NM_001081754.3); c.1768C>T, p.Leu590Phe (NM_001081755.3); c.1825C>T, p.Leu609Phe (NM_001278912.2); c.1582C>T, p.Leu528Phe (NM_001278913.2); c.1753C>T, p.Leu585Phe (NM_001278914.2); c.1843C>T, p.Leu615Phe (NM_001278915.2); and 4 more; short protein forms L609F, L595F, L580F, L585F, L615F, L520F, L561F, L590F.
Identifiers: ClinVar variation 360658 (VCV000360658.13), dbSNP rs200133966, ClinGen allele CA4293244.

ClinVar aggregate classification (germline): Conflicting classifications of pathogenicity. Review status: criteria provided, conflicting classifications (1 of 4 stars). 5 submissions from 4 submitters: Uncertain significance (4); Likely benign (1). Last evaluated 2026-01-27.

Conditions:
Supravalvar aortic stenosis (SVAS). Also called: Supravalvar aortic stenosis, Eisenberg type. Identifiers: Orphanet 3193, MedGen C0003499, MONDO:0008504, OMIM 185500, HP:0004381.
Cutis laxa, autosomal dominant 1 (ADCL1). Also called: ELN-Related Cutis Laxa. Identifiers: Orphanet 90348, MedGen C3276539, MONDO:0007411, OMIM 123700. Disease mechanism: Dominant Negative.
Inborn genetic diseases. Identifiers: MedGen C0950123, MeSH D030342.

Allele frequency attached by ClinVar (database versions not stated): 1000 Genomes Project 0.00020; TOPMed 0.00008; gnomAD 0.00011; ExAC 0.00015; 1000 Genomes Project 30x 0.00016.

Submissions (5):

Labcorp Genetics (formerly Invitae), Labcorp
Classification: Uncertain significance for Supravalvar aortic stenosis. Last evaluated: 2026-01-27. Review status: criteria provided, single submitter. Criteria: Invitae Variant Classification Sherloc (09022015). Collection method: clinical testing. Allele origin: germline.
Comment: This sequence change replaces leucine, which is neutral and non-polar, with phenylalanine, which is neutral and non-polar, at codon 671 of the ELN protein (p.Leu671Phe). This variant is present in population databases (rs200133966, gnomAD 0.04%), and has an allele count higher than expected for a pathogenic variant. This variant has not been reported in the literature in individuals affected with ELN-related conditions. ClinVar contains an entry for this variant (Variation ID: 360658). Invitae Evidence Modeling of protein sequence and biophysical properties (such as structural, functional, and spatial information, amino acid conservation, physicochemical variation, residue mobility, and thermodynamic stability) indicates that this missense variant is not expected to disrupt ELN protein function with a negative predictive value of 80%. In summary, the available evidence is currently insufficient to determine the role of this variant in disease. Therefore, it has been classified as a Variant of Uncertain Significance.

Ambry Genetics
Classification: Uncertain significance for Inborn genetic diseases. Last evaluated: 2025-04-19. Review status: criteria provided, single submitter. Criteria: Ambry Variant Classification Scheme 2023. Collection method: clinical testing. Allele origin: germline.

GeneDx
Classification: Uncertain significance. Last evaluated: 2020-10-16. Review status: criteria provided, single submitter. Criteria: GeneDx Variant Classification Process June 2021. Collection method: clinical testing. Allele origin: germline. Affected: yes.
Comment: Has not been previously published as pathogenic or benign to our knowledge; In silico analysis supports that this missense variant does not alter protein structure/function

Illumina Laboratory Services, Illumina
Classification: Uncertain significance for Supravalvar aortic stenosis. Last evaluated: 2018-01-13. Review status: criteria provided, single submitter. Criteria: ICSL Variant Classification Criteria 13 December 2019. Collection method: clinical testing. Allele origin: germline.

Illumina Laboratory Services, Illumina
Classification: Likely benign for Cutis laxa, autosomal dominant 1. Last evaluated: 2018-01-13. Review status: criteria provided, single submitter. Criteria: ICSL Variant Classification Criteria 13 December 2019. Collection method: clinical testing. Allele origin: germline.
Comment: This variant was observed in the ICSL laboratory as part of a predisposition screen in an ostensibly healthy population. It had not been previously curated by ICSL or reported in the Human Gene Mutation Database (HGMD: prior to June 1st, 2018), and was therefore a candidate for classification through an automated scoring system. Utilizing variant allele frequency, disease prevalence and penetrance estimates, and inheritance mode, an automated score was calculated to assess if this variant is too frequent to cause the disease. Based on the score and internal cut-off values, a variant classified as likely benign is not then subjected to further curation. The score for this variant resulted in a classification of likely benign for this disease.